The following is an entry in ClinVar:

NM_018036.7(ATG2B):c.2908C>T (p.Pro970Ser)

Gene: ATG2B (autophagy related 2B; minus strand). Cytogenetic location: 14q32.2.
Variant type: single nucleotide variant.
Coding change: c.2908C>T on transcript NM_018036.7 (MANE Select); coding-DNA position 2908, C replaced by T.
Protein change: p.Pro970Ser; replaces proline 970 with serine.
Molecular consequence: missense variant.
Genome position (GRCh38, 1-based): chr14:96,317,827, G>A on the plus strand (C>T on the coding strand, the complement: ATG2B is on the minus strand). VCF-style: chr14-96317827-G-A. GRCh37 (hg19) VCF-style: chr14-96784164-G-A.
Other names: short protein forms P970S.
Identifiers: ClinVar variation 1337836 (VCV001337836.6), dbSNP rs200385687, ClinGen allele CA7336359.

ClinVar aggregate classification (germline): Likely benign. Review status: criteria provided, single submitter (1 of 4 stars). 2 submissions from 2 submitters: Likely benign (1). 1 of the submissions does not count toward it. Last evaluated 2021-02-15.

Conditions:
ATG2B-related disorder. Also called: ATG2B-related condition.

Allele frequency attached by ClinVar (database versions not stated): 1000 Genomes Project 0.00040; 1000 Genomes Project 30x 0.00062; TOPMed 0.00097; gnomAD 0.00166 and 0.00171; ESP Exome Variant Server 0.00168; gnomAD exomes 0.00189; ExAC 0.00213.
gnomAD v4.1: 2,895 of 1,610,904 alleles (0.18%); highest among the groups gnomAD compares: South Asian, 0.21%; 7 homozygotes.

Submissions (2):

Genetic Services Laboratory, University of Chicago
Classification: Likely benign. Last evaluated: 2021-02-15. Review status: criteria provided, single submitter. Criteria: ACMG Guidelines, 2015. Collection method: clinical testing. Allele origin: germline. Affected: no.

PreventionGenetics, part of Exact Sciences
Classification: Likely benign for ATG2B-related condition. Last evaluated: 2019-08-12. Review status: no assertion criteria provided. Collection method: clinical testing. Allele origin: germline. Not counted in ClinVar's aggregate classification.
Comment: This variant is classified as likely benign based on ACMG/AMP sequence variant interpretation guidelines (Richards et al. 2015 PMID: 25741868, with internal and published modifications).